The following is an entry in ClinVar:

NM_000384.3(APOB):c.1214C>A (p.Pro405His)

Gene: APOB (apolipoprotein B; minus strand). Cytogenetic location: 2p24.1.
Variant type: single nucleotide variant.
Coding change: c.1214C>A on transcript NM_000384.3 (MANE Select); coding-DNA position 1214, C replaced by A.
Protein change: p.Pro405His; replaces proline 405 with histidine.
Molecular consequence: missense variant.
Genome position (GRCh38, 1-based): chr2:21,032,492, G>T on the plus strand (C>A on the coding strand, the complement: APOB is on the minus strand). VCF-style: chr2-21032492-G-T. GRCh37 (hg19) VCF-style: chr2-21255364-G-T.
Other names: short protein forms P405H.
Identifiers: ClinVar variation 3903028 (VCV003903028.1).
Genomic context (GRCh38, chr2:21,032,492, plus strand): 5'-TGCTGTGCTGAGGGCTCGGGGATCAGGGCCACCAGGTAGGTGACCACATCTATCAGAAGG[G>T]GGTTGGCATGCACACGTTTCAGCCACTGGAGGATGTGAGTGGAGCACTGAGGCTGTCCAC-3'
Protein context (NP_000375.3, residues 395-415): LQWLKRVHAN[Pro405His]LLIDVVTYLV

ClinVar aggregate classification (germline): Uncertain significance (1 of 4 stars; one submission).

gnomAD v4.1: 2 of 1,614,074 alleles (0.00012%); highest among the groups gnomAD compares: African/African-American, 0.0027%; no homozygotes.

Submission:

GeneDx
Classification: Uncertain significance. Last evaluated: 2024-12-13. Review status: criteria provided, single submitter. Criteria: GeneDx Variant Classification Process June 2021. Collection method: clinical testing. Allele origin: germline. Affected: yes.
Comment: Not observed at significant frequency in large population cohorts (gnomAD); In silico analysis supports that this missense variant has a deleterious effect on protein structure/function; Has not been previously published as pathogenic or benign to our knowledge